The following is an entry in ClinVar:

ClinVar aggregate classification (germline): Conflicting classifications of pathogenicity. Review status: criteria provided, conflicting classifications (1 of 4 stars). 3 submissions from 3 submitters: Uncertain significance (2); Likely benign (1). Last evaluated 2025-11-18.

Conditions:
SETX-related disorder. Also called: SETX-related disorders; SETX-related condition. Identifiers: MedGen CN239403.
Spinocerebellar ataxia, autosomal recessive, with axonal neuropathy 2 (SCAN2). Also called: Ataxia with Oculomotor Apraxia; ATAXIA-OCULOMOTOR APRAXIA 2; Ataxia with Oculomotor Apraxia Type 2; Ataxia-ocular apraxia-2. Identifiers: Orphanet 64753, MedGen C1853761, MONDO:0018996, OMIM 606002.
Amyotrophic lateral sclerosis type 4 (ALS4). Also called: AMYOTROPHIC LATERAL SCLEROSIS 4, JUVENILE; NEURONOPATHY, DISTAL HEREDITARY MOTOR, WITH PYRAMIDAL FEATURES. Identifiers: Orphanet 357043, MedGen C1865409, MONDO:0011223, OMIM 602433.

Allele frequency attached by ClinVar (database versions not stated): TOPMed 0.00002.
gnomAD v4.1: 5 of 1,614,106 alleles (0.00031%); highest among the groups gnomAD compares: Non-Finnish European, 0.00042%; no homozygotes.

Submissions (3):

PreventionGenetics, part of Exact Sciences
Classification: Uncertain significance for SETX-related condition. Last evaluated: 2025-11-18. Review status: criteria provided, single submitter. Criteria: ACMG Guidelines, 2015. Collection method: clinical testing. Allele origin: germline.
Comment: The SETX c.4600G>C variant is predicted to result in the amino acid substitution p.Asp1534His. To our knowledge, this variant has not been reported in the literature. This variant is reported in 0.0018% of alleles in individuals of European (Non-Finnish) descent in gnomAD. At this time, the clinical significance of this variant is uncertain due to the absence of conclusive functional and genetic evidence.

Labcorp Genetics (formerly Invitae), Labcorp
Classification: Likely benign for Amyotrophic lateral sclerosis type 4; Spinocerebellar ataxia, autosomal recessive, with axonal neuropathy 2. Last evaluated: 2024-06-02. Review status: criteria provided, single submitter. Criteria: Invitae Variant Classification Sherloc (09022015). Collection method: clinical testing. Allele origin: germline.

Athena Diagnostics
Classification: Uncertain significance. Last evaluated: 2018-04-10. Review status: criteria provided, single submitter. Criteria: Athena Diagnostics Criteria. Collection method: clinical testing. Allele origin: germline.

NM_015046.7(SETX):c.4600G>C (p.Asp1534His)

Gene: SETX (senataxin; minus strand). Cytogenetic location: 9q34.13.
Variant type: single nucleotide variant.
Coding change: c.4600G>C on transcript NM_015046.7 (MANE Select); coding-DNA position 4600, G replaced by C.
Protein change: p.Asp1534His; replaces aspartic acid 1534 with histidine.
Molecular consequence: missense variant.
Genome position (GRCh38, 1-based): chr9:132,326,998, C>G on the plus strand (G>C on the coding strand, the complement: SETX is on the minus strand). VCF-style: chr9-132326998-C-G. GRCh37 (hg19) VCF-style: chr9-135202385-C-G.
Other names: c.4600G>C, p.Asp1534His (NM_001351527.2, NM_001351528.2); short protein forms D1534H.
Identifiers: ClinVar variation 586547 (VCV000586547.5), dbSNP rs746807833, ClinGen allele CA5297170.